The following is an entry in ClinVar:

NM_000301.5(PLG):c.1945G>C (p.Val649Leu)

Gene: PLG (plasminogen; plus strand). Cytogenetic location: 6q26.
Variant type: single nucleotide variant.
Coding change: c.1945G>C on transcript NM_000301.5 (MANE Select); coding-DNA position 1945, G replaced by C.
Protein change: p.Val649Leu; replaces valine 649 with leucine.
Molecular consequence: missense variant.
Genome position (GRCh38, 1-based): chr6:160,739,135, G>C. VCF-style: chr6-160739135-G-C. GRCh37 (hg19) VCF-style: chr6-161160167-G-C.
Other names: short protein forms V649L.
Identifiers: ClinVar variation 1914091 (VCV001914091.5), dbSNP rs1431132194, ClinGen allele CA366365382.

ClinVar aggregate classification (germline): Uncertain significance (1 of 4 stars; one submission).

gnomAD v4.1: 1 of 1,614,150 alleles (0.000062%); highest among the groups gnomAD compares: Admixed American, 0.0017%; no homozygotes.

Submission:

Labcorp Genetics (formerly Invitae), Labcorp
Classification: Uncertain significance. Last evaluated: 2025-11-25. Review status: criteria provided, single submitter. Criteria: Invitae Variant Classification Sherloc (09022015). Collection method: clinical testing. Allele origin: germline.
Comment: This sequence change replaces valine, which is neutral and non-polar, with leucine, which is neutral and non-polar, at codon 649 of the PLG protein (p.Val649Leu). This variant is not present in population databases (gnomAD no frequency). This variant has not been reported in the literature in individuals affected with PLG-related conditions. ClinVar contains an entry for this variant (Variation ID: 1914091). Invitae Evidence Modeling of protein sequence and biophysical properties (such as structural, functional, and spatial information, amino acid conservation, physicochemical variation, residue mobility, and thermodynamic stability) indicates that this missense variant is not expected to disrupt PLG protein function with a negative predictive value of 80%. In summary, the available evidence is currently insufficient to determine the role of this variant in disease. Therefore, it has been classified as a Variant of Uncertain Significance.